The following is an entry in ClinVar:

NM_001142800.2(EYS):c.-252G>T

Gene: EYS (EGF-like photoreceptor maintenance factor; minus strand). Cytogenetic location: 6q12.
Variant type: single nucleotide variant.
Coding change: c.-252G>T on transcript NM_001142800.2 (MANE Select); 252 bases upstream of the start codon, G replaced by T.
Molecular consequence: 5 prime UTR variant.
Genome position (GRCh38, 1-based): chr6:65,495,913, C>A on the plus strand (G>T on the coding strand, the complement: EYS is on the minus strand). VCF-style: chr6-65495913-C-A. GRCh37 (hg19) VCF-style: chr6-66205806-C-A.
Other names: c.-252G>T (NM_001142801.2, NM_001292009.2, NM_198283.2).
Identifiers: ClinVar variation 2114603 (VCV002114603.4), dbSNP rs1440875342, ClinGen allele CA827150017.

ClinVar aggregate classification (germline): Uncertain significance (1 of 4 stars; one submission).

Submission:

Labcorp Genetics (formerly Invitae), Labcorp
Classification: Uncertain significance. Last evaluated: 2022-11-03. Review status: criteria provided, single submitter. Criteria: Invitae Variant Classification Sherloc (09022015). Collection method: clinical testing. Allele origin: germline.
Comment: This variant has not been reported in the literature in individuals affected with EYS-related conditions. In summary, the available evidence is currently insufficient to determine the role of this variant in disease. Therefore, it has been classified as a Variant of Uncertain Significance. Algorithms developed to predict the effect of sequence changes on RNA splicing suggest that this variant may disrupt the consensus splice site. This variant is not present in population databases (gnomAD no frequency). This variant occurs in a non-coding region of the EYS gene. It does not change the encoded amino acid sequence of the EYS protein.